The following is an entry in ClinVar:

ClinVar aggregate classification (germline): Benign/Likely benign. Review status: criteria provided, multiple submitters, no conflicts (2 of 4 stars). 9 submissions from 9 submitters: Benign (3); Likely benign (6). Last evaluated 2026-07-01.

Conditions:
Multiple self-healing squamous epithelioma (MSSE). Also called: MULTIPLE SELF-HEALING SQUAMOUS EPITHELIOMA, SUSCEPTIBILITY TO. Identifiers: Orphanet 65748, MedGen C0546476, MONDO:0007566, OMIM 132800.
Familial thoracic aortic aneurysm and aortic dissection (TAAD). Also called: Thoracic aortic aneurysms and dissections. Identifiers: Orphanet 91387, MedGen C4707243, MONDO:0019625.

Allele frequency attached by ClinVar (database versions not stated): gnomAD exomes 0.00007; gnomAD 0.00145 and 0.00149; TOPMed 0.00159; 1000 Genomes Project 0.00220; 1000 Genomes Project 30x 0.00328.
gnomAD v4.1: 284 of 1,082,854 alleles (0.026%); highest among the groups gnomAD compares: African/African-American, 0.42%; 1 homozygote.

Submissions (9):

CeGaT Center for Human Genetics Tuebingen
Classification: Likely benign. Last evaluated: 2026-07-01. Review status: criteria provided, single submitter. Criteria: CeGaT Center For Human Genetics Tuebingen Variant Classification Criteria Version 2. Collection method: clinical testing. Allele origin: germline. Affected: yes. Observed: 1 variant allele.
Comment: TGFBR1: BP4, BS1

Molecular Diagnostic Laboratory for Inherited Cardiovascular Disease, Montreal Heart Institute
Classification: Likely benign. Last evaluated: 2026-03-27. Review status: criteria provided, single submitter. Criteria: ACMG Guidelines, 2015. Collection method: clinical testing. Allele origin: germline. Affected: no.
Comment: BS1, BP6

KCCC/NGS Laboratory, Kuwait Cancer Control Center
Classification: Benign for Multiple self-healing squamous epithelioma. Last evaluated: 2025-02-01. Review status: criteria provided, single submitter. Criteria: ACMG Guidelines, 2015. Collection method: clinical testing. Allele origin: germline. Affected: no.

Blueprint Genetics
Classification: Likely benign. Last evaluated: 2024-11-26. Review status: criteria provided, single submitter. Criteria: ACMG Guidelines, 2015. Collection method: clinical testing. Allele origin: germline.

GeneDx
Classification: Likely benign. Last evaluated: 2020-12-03. Review status: criteria provided, single submitter. Criteria: GeneDx Variant Classification Process June 2021. Collection method: clinical testing. Allele origin: germline. Affected: yes.

Ambry Genetics
Classification: Benign for Familial thoracic aortic aneurysm and aortic dissection. Last evaluated: 2018-04-23. Review status: criteria provided, single submitter. Criteria: Ambry Variant Classification Scheme 2023. Collection method: clinical testing. Allele origin: germline.

Eurofins Ntd Llc (ga)
Classification: Likely benign. Last evaluated: 2017-06-23. Review status: criteria provided, single submitter. Criteria: EGL Classification Definitions 2015. Collection method: clinical testing. Allele origin: germline. Observed: 4 variant alleles, 4 heterozygotes.

Women's Health and Genetics/Laboratory Corporation of America, LabCorp
Classification: Benign. Last evaluated: 2016-01-04. Review status: criteria provided, single submitter. Criteria: LabCorp Variant Classification Summary - May 2015. Collection method: clinical testing. Allele origin: germline.
Comment: Variant summary: This c.-2C>T variant substitutes a non-conserved nucleotide in the 5-prime untranslated region. The variant falls within the Kozak's sequence (gcc)gccRccAUGG; however, it does not involve the conserved nuncleotides in the sequence (AUGG and R are known to be highly conserved). This variant was found in 11/5008 chromosomes from Thousands Genomes Project at a frequency of 0.0021965, which is more than 1756 times greater than the maximal expected frequency of a pathogenic allele (0.0000013) in this gene (based on the disease prevalence of Aortopathy), suggesting this variant is benign. [The frequency data from NHLBI ESP and ExAC were not applicable either due to extremely low coverage or the nucleotide position not being covered.] The variant has not been reported in affected patients via literature. Two clinical labs (via ClinVar) have classified this variant as likely benign. Taken together, this variant as been classified as Benign.

PreventionGenetics, part of Exact Sciences
Classification: Likely benign. Review status: criteria provided, single submitter. Criteria: ACMG Guidelines, 2015. Collection method: clinical testing. Allele origin: germline.

NM_004612.4(TGFBR1):c.-2C>T

Genes: TGFBR1 (transforming growth factor beta receptor 1; plus strand), LOC130002223 (ATAC-STARR-seq lymphoblastoid silent region 20124; plus strand). Cytogenetic location: 9q22.33.
Variant type: single nucleotide variant.
Coding change: c.-2C>T on transcript NM_004612.4 (MANE Select); 2 bases upstream of the start codon, C replaced by T.
Molecular consequence: 5 prime UTR variant. On other transcripts: non-coding transcript variant (4), intron variant (8).
Genome position (GRCh38, 1-based): chr9:99,105,204, C>T. VCF-style: chr9-99105204-C-T. GRCh37 (hg19) VCF-style: chr9-101867486-C-T.
Other names: c.-2C>T (NM_004612.3, NM_001130916.3, NM_001306210.2 and 6 more transcripts); c.-345C>T (NM_001407420.1, NM_001407429.1); c.-314C>T (NM_001407422.1, NM_001407426.1); c.-269C>T (NM_001407428.1); c.-111+1463C>T (NM_001407418.1, NM_001407423.1); c.-111+1098C>T (NM_001407424.1); c.-111+685C>T (NM_001407425.1); c.-111+478C>T (NM_001407434.1); and 2 more.
Identifiers: ClinVar variation 193288 (VCV000193288.16), dbSNP rs200224304, ClinGen allele CA008990.